The following is an entry in ClinVar:

NM_001134407.3(GRIN2A):c.*6384G>T

Gene: GRIN2A (glutamate ionotropic receptor NMDA type subunit 2A; minus strand). Cytogenetic location: 16p13.2.
Variant type: single nucleotide variant.
Coding change: c.*6384G>T on transcript NM_001134407.3 (MANE Select); 6384 bases downstream of the stop codon, G replaced by T.
Molecular consequence: 3 prime UTR variant.
Genome position (GRCh38, 1-based): chr16:9,756,765, C>A on the plus strand (G>T on the coding strand, the complement: GRIN2A is on the minus strand). VCF-style: chr16-9756765-C-A. GRCh37 (hg19) VCF-style: chr16-9850622-C-A.
Other names: c.*6384G>T (NM_000833.5); c.*6590G>T (NM_001134408.2).
Identifiers: ClinVar variation 885068 (VCV000885068.4), dbSNP rs13339551, ClinGen allele CA277529539.
Genomic context (GRCh38, chr16:9,756,765, plus strand): 5'-CTCAATTTAGATATATTTTGATATTTTCAAATTCAGGTGCAGATCCATGGCAAGTACTTG[C>A]GATAAGCAGAAAATGTAACATTCCAAGAATGCACAGAATGGGATAGACAGAGTGACAAAA-3'

ClinVar aggregate classification (germline): Benign (1 of 4 stars; one submission).

Conditions:
Landau-Kleffner syndrome (FESD). Also called: APHASIA, ACQUIRED, WITH EPILEPSY; EPILEPSY, FOCAL, WITH SPEECH DISORDER AND WITH OR WITHOUT MENTAL RETARDATION. Identifiers: Orphanet 1945, Orphanet 725, Orphanet 98818, MedGen C0282512, MONDO:0009509, OMIM 245570.

Allele frequency attached by ClinVar (database versions not stated): TOPMed 0.00166; 1000 Genomes Project 30x 0.00156; 1000 Genomes Project 0.00220.
gnomAD v4.1: 223 of 182,380 alleles (0.12%); highest among the groups gnomAD compares: African/African-American, 0.5%; no homozygotes.

Submission:

Illumina Laboratory Services, Illumina
Classification: Benign for Landau-Kleffner syndrome. Last evaluated: 2018-01-12. Review status: criteria provided, single submitter. Criteria: ICSL Variant Classification Criteria 13 December 2019. Collection method: clinical testing. Allele origin: germline.
Comment: This variant was observed in the ICSL laboratory as part of a predisposition screen in an ostensibly healthy population. It had not been previously curated by ICSL or reported in the Human Gene Mutation Database (HGMD: prior to June 1st, 2018), and was therefore a candidate for classification through an automated scoring system. Utilizing variant allele frequency, disease prevalence and penetrance estimates, and inheritance mode, an automated score was calculated to assess if this variant is too frequent to cause the disease. Based on the score and internal cut-off values, a variant classified as benign is not then subjected to further curation. The score for this variant resulted in a classification of benign for this disease.